The following is an entry in ClinVar:

NM_000038.6(APC):c.2507_2511delinsG (p.Ser835_Ser836insTer)

Gene: APC (APC regulator of WNT signaling pathway; plus strand). Cytogenetic location: 5q22.2.
Variant type: Indel.
Coding change: c.2507_2511delinsG on transcript NM_000038.6 (MANE Select); coding-DNA positions 2507 to 2511, CATCA replaced by G.
Protein change: p.Ser835_Ser836insTer.
Molecular consequence: nonsense.
Genome position (GRCh38, 1-based): chr5:112,838,101-112,838,105, CATCA replaced by G. VCF-style: chr5-112838101-CATCA-G. GRCh37 (hg19) VCF-style: chr5-112173798-CATCA-G.
Other names: c.2507_2511delinsG, p.Ser835_Ser836insTer (NM_001127510.3, NM_001354895.2); c.2453_2457delinsG, p.Ser817_Ser818insTer (NM_001127511.3); c.2561_2565delinsG, p.Ser853_Ser854insTer (NM_001354896.2); c.2537_2541delinsG, p.Ser845_Ser846insTer (NM_001354897.2); c.2432_2436delinsG, p.Ser810_Ser811insTer (NM_001354898.2); c.2423_2427delinsG, p.Ser807_Ser808insTer (NM_001354899.2); c.2384_2388delinsG, p.Ser794_Ser795insTer (NM_001354900.2); c.2330_2334delinsG, p.Ser776_Ser777insTer (NM_001354901.2); and 5 more.
Identifiers: ClinVar variation 546059 (VCV000546059.2), dbSNP rs1554084228, ClinGen allele CA658822398.
Genomic context (GRCh38, chr5:112,838,101, plus strand): 5'-CTGGCAACATGACTGTCCTTTCACCATATTTGAATACTACAGTGTTACCCAGCTCCTCTT[CATCA>G]AGAGGAAGCTTAGATAGTTCTCGTTCTGAAAAAGATAGAAGTTTGGAGAGAGAACGCGGA-3'

ClinVar aggregate classification (germline): Pathogenic (1 of 4 stars; one submission).

Submission:

GeneDx
Classification: Pathogenic. Last evaluated: 2018-04-06. Review status: criteria provided, single submitter. Criteria: GeneDx Variant Classification (06012015). Collection method: clinical testing. Allele origin: germline. Affected: yes.
Comment: This variant is denoted APC c.2507_2511delCATCAinsG at the cDNA level and p.Ser836Ter (S836X) at the protein level. The normal sequence, with the bases that are deleted and inserted in brackets, is TCTT[delCATCA][insG]AGAG. This combined deletion and insertion creates a nonsense variant, which changes a Serine to a premature stop codon (TCA>TGA). This variant is predicted to cause loss of normal protein function through either protein truncation or nonsense-mediated mRNA decay. Although APC c.2507_2511delCATCAinsG has not, to our knowledge, been reported in the literature, a nucleotide substitution resulting in the same protein change (c.2507C>G, p.Ser836Ter) has been reported in individuals with Familial Adenomatous Polyposis (Obul 2012). We consider APC c.2507_2511delCATCAinsG to be pathogenic.